The following is an entry in ClinVar:

NC_000009.11:g.(?_133352248)_(133355846_?)del

Gene: ASS1 (argininosuccinate synthase 1; plus strand). Cytogenetic location: 9q34.11.
Variant type: Deletion.
Identifiers: ClinVar variation 1456047 (VCV001456047.12).

ClinVar aggregate classification (germline): Pathogenic (1 of 4 stars; one submission).

Conditions:
Citrullinemia. Identifiers: Orphanet 187, MedGen C0175683, MONDO:0015991.

Submission:

Labcorp Genetics (formerly Invitae), Labcorp
Classification: Pathogenic for Citrullinemia. Last evaluated: 2022-05-20. Review status: criteria provided, single submitter. Criteria: Invitae Variant Classification Sherloc (09022015). Collection method: clinical testing. Allele origin: germline.
Comment: For these reasons, this variant has been classified as Pathogenic. This variant has not been reported in the literature in individuals affected with ASS1-related conditions. This variant is a gross deletion of the genomic region encompassing exon(s) 10-12 of the ASS1 gene. This deletion is out-of-frame, and is expected to create a premature termination codon and result in an absent or disrupted protein product. Loss-of-function variants in ASS1 are known to be pathogenic (PMID: 18473344, 19006241).

Literature cited by the submitters: PubMed 18473344; PubMed 19006241.